The following is an entry in ClinVar:

NM_000257.4(MYH7):c.816_817del (p.Arg272fs)

Gene: MYH7 (myosin heavy chain 7; minus strand). Cytogenetic location: 14q11.2.
Variant type: Microsatellite.
Coding change: c.816_817del on transcript NM_000257.4 (MANE Select); coding-DNA positions 816 to 817, 2 bases deleted (AG; older notation c.816_817delAG).
Protein change: p.Arg272fs; shifts the reading frame from arginine 272.
Molecular consequence: frameshift variant.
Genome position (GRCh38, 1-based): chr14:23,430,979-23,430,980, CT deleted on the plus strand (AG on the coding strand, the reverse complement: MYH7 is on the minus strand); deleting any 2 consecutive bases within chr14:23,430,979-23,430,982 gives the same sequence; the c. name uses the placement nearest the transcript's 3' end. VCF-style (leftmost placement, unchanged base first): chr14-23430978-ACT-A. GRCh37 (hg19) VCF-style: chr14-23900187-ACT-A.
Other names: short protein forms R272fs.
Identifiers: ClinVar variation 925512 (VCV000925512.10), dbSNP rs1399993803, ClinGen allele CA704269098.

ClinVar aggregate classification (germline): Uncertain significance. Review status: criteria provided, multiple submitters, no conflicts (2 of 4 stars). 3 submissions from 3 submitters: Uncertain significance (3). Last evaluated 2024-10-24.

Conditions:
Cardiomyopathy (CMYO). Also called: Cardiomyopathies. Identifiers: Orphanet 167848, MedGen C0878544, MONDO:0004994, HP:0001638. Inheritance: Various modes of inheritance.
Hypertrophic cardiomyopathy. Also called: HYPERTROPHIC MYOCARDIOPATHY. Identifiers: Orphanet 217569, MedGen C0007194, MeSH D002312, MONDO:0005045, HP:0001639.

Submissions (3):

Labcorp Genetics (formerly Invitae), Labcorp
Classification: Uncertain significance for Hypertrophic cardiomyopathy. Last evaluated: 2024-10-24. Review status: criteria provided, single submitter. Criteria: Invitae Variant Classification Sherloc (09022015). Collection method: clinical testing. Allele origin: germline.
Comment: This sequence change creates a premature translational stop signal (p.Arg272Serfs*20) in the MYH7 gene. It is expected to result in an absent or disrupted protein product. However, the current clinical and genetic evidence is not sufficient to establish whether loss-of-function variants in MYH7 cause disease. This variant is not present in population databases (gnomAD no frequency). This variant has not been reported in the literature in individuals affected with MYH7-related conditions. ClinVar contains an entry for this variant (Variation ID: 925512). In summary, the available evidence is currently insufficient to determine the role of this variant in disease. Therefore, it has been classified as a Variant of Uncertain Significance.

AiLife Diagnostics
Classification: Uncertain significance. Last evaluated: 2021-09-18. Review status: criteria provided, single submitter. Criteria: ACMG Guidelines, 2015. Collection method: clinical testing. Allele origin: germline. Affected: yes. Observed: 1 variant allele.

Color Diagnostics, LLC DBA Color Health
Classification: Uncertain significance for Cardiomyopathy. Last evaluated: 2019-07-20. Review status: criteria provided, single submitter. Criteria: ACMG Guidelines, 2015. Collection method: clinical testing. Allele origin: germline.
Comment: This variant deletes 2 nucleotides in exon 10 of the MYH7 gene, creating a frameshift and premature translation stop signal. This variant is expected to result in an absent or non-functional protein product. Computational splicing tools suggest that this variant may not impact RNA splicing. To our knowledge, functional studies have not been performed for this variant nor has this variant been reported in individuals affected with cardiovascular disorders in the literature. This variant has not been identified in the general population by the Genome Aggregation Database (gnomAD). Clinical significance of loss-of-function MYH7 truncation variants in autosomal dominant cardiomyopathy is not clearly established. Available evidence is insufficient to determine the role of this variant in disease conclusively. Therefore, this variant is classified as a Variant of Uncertain Significance.